The following is an entry in ClinVar:

NM_000548.5(TSC2):c.1061A>T (p.Gln354Leu)

Gene: TSC2 (TSC complex subunit 2; plus strand). Cytogenetic location: 16p13.3.
Variant type: single nucleotide variant.
Coding change: c.1061A>T on transcript NM_000548.5 (MANE Select); coding-DNA position 1061, A replaced by T.
Protein change: p.Gln354Leu; replaces glutamine 354 with leucine.
Molecular consequence: missense variant.
Genome position (GRCh38, 1-based): chr16:2,060,755, A>T. VCF-style: chr16-2060755-A-T. GRCh37 (hg19) VCF-style: chr16-2110756-A-T.
Other names: c.1061A>T, p.Gln354Leu (NM_001077183.3, NM_001114382.3, NM_001363528.2 and 6 more transcripts); c.950A>T, p.Gln317Leu (NM_001318827.2, NM_001406670.1, NM_001406678.1); c.914A>T, p.Gln305Leu (NM_001318829.2, NM_001406675.1, NM_001406676.1 and 1 more transcripts); c.461A>T, p.Gln154Leu (NM_001318831.2, NM_001406680.1, NM_001406682.1 and 6 more transcripts); c.1094A>T, p.Gln365Leu (NM_001318832.2); c.1151A>T, p.Gln384Leu (NM_001406667.1, NM_001406668.1); c.1049A>T, p.Gln350Leu (NM_001406671.1, NM_001406673.1); c.1004A>T, p.Gln335Leu (NM_001406677.1); and 4 more; short protein forms Q350L, Q365L, Q305L, Q317L, Q335L, Q154L, Q200L, Q354L.
Identifiers: ClinVar variation 2197582 (VCV002197582.5), dbSNP rs1394071689, ClinGen allele CA394317908.

ClinVar aggregate classification (germline): Uncertain significance. Review status: criteria provided, multiple submitters, no conflicts (2 of 4 stars). 2 submissions from 2 submitters: Uncertain significance (2). Last evaluated 2024-08-13.

Conditions:
Tuberous sclerosis 2 (TSC2). Identifiers: Orphanet 805, MedGen C1860707, MONDO:0013199, OMIM 613254.
Tuberous sclerosis syndrome (TSC). Also called: Tuberous Sclerosis Complex; Tuberous sclerosis. Identifiers: Orphanet 805, MedGen C0041341, MONDO:0001734.

Allele frequency attached by ClinVar (database versions not stated): TOPMed 0.00001.

Submissions (2):

Labcorp Genetics (formerly Invitae), Labcorp
Classification: Uncertain significance for Tuberous sclerosis 2. Last evaluated: 2024-08-13. Review status: criteria provided, single submitter. Criteria: Invitae Variant Classification Sherloc (09022015). Collection method: clinical testing. Allele origin: germline.
Comment: This sequence change replaces glutamine, which is neutral and polar, with leucine, which is neutral and non-polar, at codon 354 of the TSC2 protein (p.Gln354Leu). This variant is not present in population databases (gnomAD no frequency). This variant has not been reported in the literature in individuals affected with TSC2-related conditions. ClinVar contains an entry for this variant (Variation ID: 2197582). Advanced modeling of protein sequence and biophysical properties (such as structural, functional, and spatial information, amino acid conservation, physicochemical variation, residue mobility, and thermodynamic stability) performed at Invitae indicates that this missense variant is not expected to disrupt TSC2 protein function with a negative predictive value of 95%. In summary, the available evidence is currently insufficient to determine the role of this variant in disease. Therefore, it has been classified as a Variant of Uncertain Significance.

All of Us Research Program, National Institutes of Health
Classification: Uncertain significance for Tuberous sclerosis syndrome. Last evaluated: 2023-11-02. Review status: criteria provided, single submitter. Criteria: ACMG Guidelines, 2015. Collection method: clinical testing. Allele origin: germline. Inheritance: Autosomal dominant inheritance. Observed: 1 variant allele, 1 heterozygote.
Comment: This missense variant replaces glutamine with leucine at codon 354 of the TSC2 protein. Computational prediction is inconclusive regarding the impact of this variant on protein structure and function (internally defined REVEL score threshold 0.5 < inconclusive < 0.7, PMID: 27666373). To our knowledge, functional studies have not been reported for this variant. This variant has not been reported in individuals affected with TSC2-related disorders in the literature. This variant has not been identified in the general population by the Genome Aggregation Database (gnomAD). The available evidence is insufficient to determine the role of this variant in disease conclusively. Therefore, this variant is classified as a Variant of Uncertain Significance.

This study involves interpretation of variants in research participants for the purpose of population health screening. Participant phenotype was not available at the time of variant classification. Additional details can be found in publication PMID: 35346344, PMCID: PMC8962531